The following is an entry in ClinVar:

NM_001367561.1(DOCK7):c.5560G>T (p.Asp1854Tyr)

Gene: DOCK7 (dedicator of cytokinesis 7; minus strand). Cytogenetic location: 1p31.3.
Variant type: single nucleotide variant.
Coding change: c.5560G>T on transcript NM_001367561.1 (MANE Select); coding-DNA position 5560, G replaced by T.
Protein change: p.Asp1854Tyr; replaces aspartic acid 1854 with tyrosine.
Molecular consequence: missense variant.
Genome position (GRCh38, 1-based): chr1:62,477,774, C>A on the plus strand (G>T on the coding strand, the complement: DOCK7 is on the minus strand). VCF-style: chr1-62477774-C-A. GRCh37 (hg19) VCF-style: chr1-62943445-C-A.
Other names: c.5527G>T (NM_001271999.1); c.5527G>T, p.Asp1843Tyr (NM_001271999.2); c.5440G>T, p.Asp1814Tyr (NM_001272000.2); c.5434G>T, p.Asp1812Tyr (NM_001272001.2); c.5533G>T, p.Asp1845Tyr (NM_001330614.2); c.5467G>T, p.Asp1823Tyr (NM_033407.4); short protein forms D1854Y, D1812Y, D1814Y, D1823Y, D1843Y, D1845Y.
Identifiers: ClinVar variation 1399483 (VCV001399483.11), dbSNP rs1191345154, ClinGen allele CA340605372.

ClinVar aggregate classification (germline): Uncertain significance. Review status: criteria provided, multiple submitters, no conflicts (2 of 4 stars). 2 submissions from 2 submitters: Uncertain significance (2). Last evaluated 2023-06-06.

Conditions:
Developmental and epileptic encephalopathy, 23 (DEE23). Also called: Epileptic encephalopathy, early infantile, 23. Identifiers: Orphanet 411986, MedGen C4014492, MONDO:0014371, OMIM 615859.

Allele frequency attached by ClinVar (database versions not stated): gnomAD exomes below 0.00001 and 0.00001.
gnomAD v4.1: 3 of 1,611,766 alleles (0.00019%); highest among the groups gnomAD compares: South Asian, 0.0033%; no homozygotes.

Submissions (2):

GeneDx
Classification: Uncertain significance. Last evaluated: 2023-06-06. Review status: criteria provided, single submitter. Criteria: GeneDx Variant Classification Process June 2021. Collection method: clinical testing. Allele origin: germline. Affected: yes.
Comment: Not observed at significant frequency in large population cohorts (gnomAD); In silico analysis supports that this missense variant has a deleterious effect on protein structure/function; Has not been previously published as pathogenic or benign to our knowledge

Labcorp Genetics (formerly Invitae), Labcorp
Classification: Uncertain significance for Developmental and epileptic encephalopathy, 23. Last evaluated: 2021-03-24. Review status: criteria provided, single submitter. Criteria: Invitae Variant Classification Sherloc (09022015). Collection method: clinical testing. Allele origin: germline.
Comment: In summary, the available evidence is currently insufficient to determine the role of this variant in disease. Therefore, it has been classified as a Variant of Uncertain Significance. Algorithms developed to predict the effect of sequence changes on RNA splicing suggest that this variant may create or strengthen a splice site, but this prediction has not been confirmed by published transcriptional studies. Algorithms developed to predict the effect of missense changes on protein structure and function are either unavailable or do not agree on the potential impact of this missense change (SIFT: "Deleterious"; PolyPhen-2: "Probably Damaging"; Align-GVGD: "Class C15"). This variant has not been reported in the literature in individuals with DOCK7-related conditions. This variant is not present in population databases (ExAC no frequency). This sequence change replaces aspartic acid with tyrosine at codon 1843 of the DOCK7 protein (p.Asp1843Tyr). The aspartic acid residue is highly conserved and there is a large physicochemical difference between aspartic acid and tyrosine.